The following is an entry in ClinVar:

ClinVar aggregate classification (germline): Uncertain significance (1 of 4 stars; one submission).

Conditions:
Kleefstra syndrome 2 (KLEFS2). Identifiers: MedGen C4540395, MONDO:0054701, OMIM 617768.

Submission:

3billion
Classification: Uncertain significance for Kleefstra syndrome 2. Last evaluated: 2023-12-11. Review status: criteria provided, single submitter. Criteria: ACMG Guidelines, 2015. Collection method: clinical testing. Allele origin: germline. Affected: yes.
Comment: The variant is not observed in the gnomAD v2.1.1 dataset. Predicted Consequence/Location: Inframe deletion located in a nonrepeat region: predicted to change the length of the protein and disrupt normal protein function. Therefore, this variant is classified as VUS according to the recommendation of ACMG/AMP guideline.

NM_170606.3(KMT2C):c.4348GAT[1] (p.Asp1451del)

Gene: KMT2C (lysine methyltransferase 2C; minus strand). Cytogenetic location: 7q36.1.
Variant type: Microsatellite.
Coding change: c.4348GAT[1] on transcript NM_170606.3 (MANE Select); one copy of the 3-base unit GAT starting at c.4348; the reference has two copies in a row; one copy, 3 bases deleted; also written c.4351_4353del.
Protein change: p.Asp1451del; deletes aspartic acid 1451.
Molecular consequence: inframe deletion.
Genome position (GRCh38, 1-based): chr7:152,195,932-152,195,934, ATC deleted on the plus strand (GAT on the coding strand, the reverse complement: KMT2C is on the minus strand); deleting any 3 consecutive bases within chr7:152,195,932-152,195,937 gives the same sequence; the position shown is the placement nearest the transcript's 3' end. VCF-style (leftmost placement, unchanged base first): chr7-152195931-GATC-G. GRCh37 (hg19) VCF-style: chr7-151893016-GATC-G.
Other names: c.4351_4353del (NM_170606.3); short protein forms D1451del.
Identifiers: ClinVar variation 3775273 (VCV003775273.1).